The following is an entry in ClinVar:

ClinVar aggregate classification (germline): Uncertain significance (1 of 4 stars; one submission).

Conditions:
Hereditary cancer-predisposing syndrome. Also called: Neoplastic Syndromes, Hereditary; Tumor predisposition; Hereditary neoplastic syndrome; Hereditary Cancer Syndrome. Identifiers: Orphanet 140162, MedGen C0027672, MeSH D009386, MONDO:0015356.

Submission:

Ambry Genetics
Classification: Uncertain significance for Hereditary cancer-predisposing syndrome. Last evaluated: 2024-03-14. Review status: criteria provided, single submitter. Criteria: Ambry Variant Classification Scheme 2023. Collection method: clinical testing. Allele origin: germline.
Comment: The p.T391A variant (also known as c.1171A>G), located in coding exon 12 of the NF2 gene, results from an A to G substitution at nucleotide position 1171. The threonine at codon 391 is replaced by alanine, an amino acid with similar properties. This amino acid position is conserved. In addition, this alteration is predicted to be tolerated by in silico analysis. Based on the available evidence, the clinical significance of this alteration remains unclear.

NM_000268.4(NF2):c.1171A>G (p.Thr391Ala)

Gene: NF2 (NF2, moesin-ezrin-radixin like (MERLIN) tumor suppressor; plus strand). Cytogenetic location: 22q12.2.
Variant type: single nucleotide variant.
Coding change: c.1171A>G on transcript NM_000268.4 (MANE Select); coding-DNA position 1171, A replaced by G.
Protein change: p.Thr391Ala; replaces threonine 391 with alanine.
Molecular consequence: missense variant. On other transcripts: intron variant (1).
Genome position (GRCh38, 1-based): chr22:29,673,317, A>G. VCF-style: chr22-29673317-A-G. GRCh37 (hg19) VCF-style: chr22-30069306-A-G.
Other names: c.1057A>G, p.Thr353Ala (NM_001407053.1, NM_001407056.1); c.1048A>G, p.Thr350Ala (NM_001407054.1, NM_001407058.1, NM_181829.3); c.1045A>G, p.Thr349Ala (NM_001407055.1, NM_181828.3); c.1036A>G, p.Thr346Ala (NM_001407057.1, NM_001407059.1); c.1171A>G, p.Thr391Ala (NM_001407060.1, NM_001407066.1, NM_016418.5 and 2 more transcripts); c.913A>G, p.Thr305Ala (NM_001407062.1); c.922A>G, p.Thr308Ala (NM_001407063.1, NM_001407064.1, NM_181830.3 and 1 more transcripts); c.637A>G, p.Thr213Ala (NM_001407065.1); and 2 more; short protein forms T213A, T305A, T308A, T314A, T346A, T349A, T350A, T353A.
Identifiers: ClinVar variation 3231074 (VCV003231074.1), dbSNP rs2518679642, ClinGen allele CA411148064.